The following is an entry in ClinVar:

ClinVar aggregate classification (germline): Uncertain significance (1 of 4 stars; one submission).

Conditions:
Peroxisome biogenesis disorder, complementation group K (CGK). Identifiers: MedGen C1866257, MONDO:0800365.

Allele frequency attached by ClinVar (database versions not stated): gnomAD exomes below 0.00001.
gnomAD v4.1: 1 of 1,614,068 alleles (0.000062%); highest among the groups gnomAD compares: Non-Finnish European, 0.000085%; no homozygotes.

Submission:

Labcorp Genetics (formerly Invitae), Labcorp
Classification: Uncertain significance for Peroxisome biogenesis disorder, complementation group K. Last evaluated: 2020-01-22. Review status: criteria provided, single submitter. Criteria: Invitae Variant Classification Sherloc (09022015). Collection method: clinical testing. Allele origin: germline.
Comment: In summary, the available evidence is currently insufficient to determine the role of this variant in disease. Therefore, it has been classified as a Variant of Uncertain Significance. Algorithms developed to predict the effect of missense changes on protein structure and function are either unavailable or do not agree on the potential impact of this missense change (SIFT: "Deleterious"; PolyPhen-2: "Probably Damaging"; Align-GVGD: "Class C0"). This variant has not been reported in the literature in individuals with PEX14-related conditions. This variant is not present in population databases (ExAC no frequency). This sequence change replaces serine with phenylalanine at codon 251 of the PEX14 protein (p.Ser251Phe). The serine residue is moderately conserved and there is a large physicochemical difference between serine and phenylalanine.

NM_004565.3(PEX14):c.752C>T (p.Ser251Phe)

Gene: PEX14 (peroxisomal biogenesis factor 14; plus strand). Cytogenetic location: 1p36.22.
Variant type: single nucleotide variant.
Coding change: c.752C>T on transcript NM_004565.3 (MANE Select); coding-DNA position 752, C replaced by T.
Protein change: p.Ser251Phe; replaces serine 251 with phenylalanine.
Molecular consequence: missense variant.
Genome position (GRCh38, 1-based): chr1:10,629,605, C>T. VCF-style: chr1-10629605-C-T. GRCh37 (hg19) VCF-style: chr1-10689662-C-T.
Other names: short protein forms S251F.
Identifiers: ClinVar variation 956875 (VCV000956875.9), dbSNP rs1160685953, ClinGen allele CA338338401.